The following is an entry in ClinVar:

NM_000465.4(BARD1):c.1105A>T (p.Lys369Ter)

Gene: BARD1 (BRCA1 associated RING domain 1; minus strand). Cytogenetic location: 2q35.
Variant type: single nucleotide variant.
Coding change: c.1105A>T on transcript NM_000465.4 (MANE Select); coding-DNA position 1105, A replaced by T.
Protein change: p.Lys369Ter; replaces lysine 369 with a stop codon.
Molecular consequence: nonsense. On other transcripts: non-coding transcript variant (2), intron variant (3).
Genome position (GRCh38, 1-based): chr2:214,780,769, T>A on the plus strand (A>T on the coding strand, the complement: BARD1 is on the minus strand). VCF-style: chr2-214780769-T-A. GRCh37 (hg19) VCF-style: chr2-215645493-T-A.
Other names: c.1048A>T, p.Lys350Ter (NM_001282543.2); c.159-28214A>T (NM_001282548.2); c.215+16292A>T (NM_001282545.2); c.364+11528A>T (NM_001282549.2); short protein forms K350*, K369*.
Identifiers: ClinVar variation 4867385 (VCV004867385.1).
Genomic context (GRCh38, chr2:214,780,769, plus strand): 5'-TAATGAATTCATCGGACATGTTACTGTTTTTCCTCCCTGATGTACCACCAACTTTACGTT[T>A]GCATGAAGGTGGTGAAGAACATTCAGGCAATGGTATATTTTCTGAGGGCACCGTTTGCTT-3'

ClinVar aggregate classification (germline): Pathogenic (1 of 4 stars; one submission).

Conditions:
Hereditary cancer-predisposing syndrome. Also called: Neoplastic Syndromes, Hereditary; Tumor predisposition; Hereditary Cancer Syndrome; Hereditary neoplastic syndrome. Identifiers: Orphanet 140162, MedGen C0027672, MeSH D009386, MONDO:0015356.

Submission:

Ambry Genetics
Classification: Pathogenic for Hereditary cancer-predisposing syndrome. Last evaluated: 2026-03-24. Review status: criteria provided, single submitter. Criteria: Ambry Variant Classification Scheme 2023. Collection method: clinical testing. Allele origin: germline.
Comment: The p.K369* pathogenic mutation (also known as c.1105A>T), located in coding exon 4 of the BARD1 gene, results from an A to T substitution at nucleotide position 1105. This changes the amino acid from a lysine to a stop codon within coding exon 4. This variant is considered to be rare based on population cohorts in the Genome Aggregation Database (gnomAD). This alteration is expected to result in loss of function by premature protein truncation or nonsense-mediated mRNA decay. As such, this alteration is interpreted as a disease-causing mutation.